The following is an entry in ClinVar:

ClinVar aggregate classification (germline): Likely benign. Review status: reviewed by expert panel (3 of 4 stars). 2 submissions from 2 submitters: Likely benign (1). 1 of the submissions does not count toward it. Last evaluated 2026-05-19.

Conditions:
PIK3R1-related immunodeficiency and SHORT syndrome. Identifiers: MedGen CN379774, MONDO:1060136.
Immunodeficiency 36 with lymphoproliferation. Also called: ACTIVATED PI3K-DELTA SYNDROME 2; Immunodeficiency 36; Activated PI3K Delta Syndrome Type 2 (APDS2). Identifiers: Orphanet 397596, Orphanet 693681, MedGen C4014934, MONDO:0014453, OMIM 616005.
Agammaglobulinemia 7, autosomal recessive (AGM7). Also called: AGAMMAGLOBULINEMIA, AUTOSOMAL RECESSIVE, DUE TO PIK3R1 DEFECT. Identifiers: MedGen C3554689, MONDO:0014083, OMIM 615214.
SHORT syndrome. Also called: PIK3R1-Related SHORT Syndrome; SHORT STATURE, HYPEREXTENSIBILITY, HERNIA, OCULAR DEPRESSION, RIEGER ANOMALY, AND TEETHING DELAY; LIPODYSTROPHY, PARTIAL, WITH RIEGER ANOMALY AND SHORT STATURE. Identifiers: Orphanet 3163, MedGen C0878684, MONDO:0010026, OMIM 269880.

gnomAD v4.1: 6 of 1,408,006 alleles (0.00043%); no homozygotes.

Submissions (2):

ClinGen Primary Immune Regulatory Disorders Variant Curation Expert Panel, ClinGen
Classification: Likely benign for PIK3R1-related immunodeficiency and SHORT syndrome. Last evaluated: 2026-05-19. Review status: reviewed by expert panel. Criteria: ClinGen AbDef ACMG Specifications PIK3R1 V1.0.0. Collection method: curation. Allele origin: germline. Inheritance: Autosomal dominant inheritance.
Comment: NM_181523.3(PIK3R1):c.1300-15T>C is a variant located in intron 10 and lies within the -1 to -20 positions relative to the exon that are considered part of the donor splice site, so BP7 is not met. The splicing impact predictor SpliceAI gives a score of 0.00 for all splicing events, which is below the ClinGen Antibody Deficiencies VCEP recommended threshold of <0.1 and does not strongly predict an impact on splicing (BP4). This variant is present in gnomAD v4.1.0 at a total allele frequency of 0.000004261, with 6 alleles / 1,408,006 total alleles across all populations of gnomAD, which is higher than the ClinGen Antibody Deficiencies PM2_Supporting threshold of <0.00000132. This variant is present in gnomAD v4.1.0 at a MAF allele frequency of 0.00009471 with 6 alleles / 63,352 total alleles in the European (non-Finnish) population, which is lower than the BS1 threshold of >0.000316, so no population code is met. In summary, this variant meets the criteria to be classified as likely benign for autosomal dominant PIK3R1-related immunodeficiency and SHORT syndrome based on the ACMG/AMP criteria applied, as specified by the ClinGen Antibody Deficiencies VCEP: BP4. (VCEP specifications version 1.0.0; date of approval 04/29/2026).

Labcorp Genetics (formerly Invitae), Labcorp
Classification: Likely benign for SHORT syndrome; Immunodeficiency 36 with lymphoproliferation; Agammaglobulinemia 7, autosomal recessive. Last evaluated: 2023-07-18. Review status: criteria provided, single submitter. Criteria: Invitae Variant Classification Sherloc (09022015). Collection method: clinical testing. Allele origin: germline. Not counted in ClinVar's aggregate classification.

NM_181523.3(PIK3R1):c.1300-15T>C

Gene: PIK3R1 (phosphoinositide-3-kinase regulatory subunit 1; plus strand). Cytogenetic location: 5q13.1.
Variant type: single nucleotide variant.
Coding change: c.1300-15T>C on transcript NM_181523.3 (MANE Select); 15 bases into the intron before coding-DNA position 1300, T replaced by C.
Molecular consequence: intron variant.
Genome position (GRCh38, 1-based): chr5:68,293,694, T>C. VCF-style: chr5-68293694-T-C. GRCh37 (hg19) VCF-style: chr5-67589522-T-C.
Other names: c.400-15T>C (NM_181524.2); c.490-15T>C (NM_181504.4); c.211-15T>C (NM_001242466.2).
Identifiers: ClinVar variation 2950010 (VCV002950010.4), dbSNP rs750356306, ClinGen allele CA3290368.
Genomic context (GRCh38, chr5:68,293,694, plus strand): 5'-CATGTCAGCTATTTTGTTAAACAATTGTTATTTGATTAAATACCTTATCCATTGAATTTA[T>C]TTTAATCTTTCTAGGATCAAGTTGTCAAAGAAGATAATATTGAAGCTGTAGGGAAAAAAT-3'